The following is an entry in ClinVar:

NM_000179.3(MSH6):c.3832C>A (p.Pro1278Thr)

Gene: MSH6 (mutS homolog 6; plus strand). Cytogenetic location: 2p16.3.
Variant type: single nucleotide variant.
Coding change: c.3832C>A on transcript NM_000179.3 (MANE Select); coding-DNA position 3832, C replaced by A.
Protein change: p.Pro1278Thr; replaces proline 1278 with threonine.
Molecular consequence: missense variant.
Genome position (GRCh38, 1-based): chr2:47,806,482, C>A. VCF-style: chr2-47806482-C-A. GRCh37 (hg19) VCF-style: chr2-48033621-C-A.
Other names: p.Pro1278Thr; c.3442C>A, p.Pro1148Thr (NM_001281492.2); c.2926C>A, p.Pro976Thr (NM_001281493.2, NM_001281494.2); short protein forms P1278T, P1148T, P976T.
Identifiers: ClinVar variation 141916 (VCV000141916.41), dbSNP rs587782109, ClinGen allele CA014466.

ClinVar aggregate classification (germline): Conflicting classifications of pathogenicity. Review status: criteria provided, conflicting classifications (1 of 4 stars). 15 submissions from 15 submitters: Uncertain significance (8); Benign (1); Likely benign (6). Last evaluated 2026-04-08.

Conditions:
MSH6-related disorder. Also called: MSH6-Related disorders; MSH6-related condition.
Hereditary nonpolyposis colorectal neoplasms. Identifiers: MedGen C0009405, MeSH D003123.
Hereditary cancer-predisposing syndrome. Also called: Tumor predisposition; Neoplastic Syndromes, Hereditary; Hereditary neoplastic syndrome; Hereditary Cancer Syndrome. Identifiers: Orphanet 140162, MedGen C0027672, MeSH D009386, MONDO:0015356.
Lynch syndrome. Identifiers: Orphanet 144, MedGen C4552100, MONDO:0005835. Disease mechanism: loss of function.
Lynch syndrome 5 (LYNCH5). Also called: Colorectal cancer, hereditary nonpolyposis, type 5; Hereditary non-polyposis colorectal cancer, type 5. Identifiers: Orphanet 144, MedGen C1833477, MONDO:0013710, OMIM 614350. Disease mechanism: loss of function.

Allele frequency attached by ClinVar (database versions not stated): gnomAD 0.00002; TOPMed 0.00002; gnomAD exomes 0.00010; ExAC 0.00012.
gnomAD v4.1: 63 of 1,613,780 alleles (0.0039%); highest among the groups gnomAD compares: Admixed American, 0.035%; no homozygotes.

Submissions (15):

PreventionGenetics, part of Exact Sciences
Classification: Likely benign for MSH6-related condition. Last evaluated: 2026-04-08. Review status: criteria provided, single submitter. Criteria: ACMG Guidelines, 2015. Collection method: clinical testing. Allele origin: germline.
Comment: This variant is classified as likely benign based on ACMG/AMP sequence variant interpretation guidelines (Richards et al. 2015 PMID: 25741868, with internal and published modifications).

Labcorp Genetics (formerly Invitae), Labcorp
Classification: Likely benign for Hereditary nonpolyposis colorectal neoplasms. Last evaluated: 2026-01-27. Review status: criteria provided, single submitter. Criteria: Invitae Variant Classification Sherloc (09022015). Collection method: clinical testing. Allele origin: germline.

Women's Health and Genetics/Laboratory Corporation of America, LabCorp
Classification: Likely benign. Last evaluated: 2025-11-21. Review status: criteria provided, single submitter. Criteria: LabCorp Variant Classification Summary - May 2015. Collection method: clinical testing. Allele origin: germline.
Comment: Variant summary: MSH6 c.3832C>A (p.Pro1278Thr) results in a non-conservative amino acid change located in the DNA mismatch repair protein MutS, C-terminal domain (IPR000432) of the encoded protein sequence. Algorithms developed to predict the effect of missense changes on protein structure and function all suggest that this variant is likely to be disruptive. The variant allele was found at a frequency of 0.0001 in 250902 control chromosomes, predominantly at a frequency of 0.00046 within the Latino subpopulation in the gnomAD database. The observed variant frequency within Latino control individuals in the gnomAD database exceeds the estimated maximal expected allele frequency for disease-causing variants in MSH6.c.3832C>A has been reported in the literature in individuals affected with cancer including breast and ovarian cancer (e.g. Tung 2015, Li_2020) but it was also reported in an individual with no personal history of cancer who was above the average age of onset for Hereditary Nonpolyposis Colorectal Cancer (Abe_2019). Co-occurrences with pathogenic variants have been reported in the literature in individuals affected with breast and ovarian cancer (BRCA1 c.3759_3760delTA, p.Lys1254GlufsX12; CHEK2 c.1283C>T, p.Ser428Phe) (Tung_2015) and also via internal testing (MSH6 c.2150_2153delTCAG, p.V717fsX18), providing supporting evidence for a benign role. To our knowledge, no experimental evidence demonstrating an impact on protein function has been reported. The following publications have been ascertained in the context of this evaluation (PMID: 30883245, 36845387, 31391288, 25186627). ClinVar contains an entry for this variant (Variation ID: 141916). Based on the evidence outlined above, the variant was classified as likely benign.

Color Diagnostics, LLC DBA Color Health
Classification: Uncertain significance for Hereditary cancer-predisposing syndrome. Last evaluated: 2025-11-11. Review status: criteria provided, single submitter. Criteria: ACMG Guidelines, 2015. Collection method: clinical testing. Allele origin: germline.
Comment: This missense variant replaces proline with threonine at codon 1278 of the MSH6 protein. Computational prediction is inconclusive regarding the impact of this variant on protein structure and function. To our knowledge, functional studies have not been reported for this variant. This variant has been reported in individuals affected with Lynch syndrome-associated cancers (PMID: 31391288, 33359728). This variant has been identified in 63/1613780 chromosomes in the general population by the Genome Aggregation Database (gnomAD). The available evidence is insufficient to determine the role of this variant in disease conclusively. Therefore, this variant is classified as a Variant of Uncertain Significance.

Quest Diagnostics Nichols Institute San Juan Capistrano
Classification: Uncertain significance. Last evaluated: 2025-07-10. Review status: criteria provided, single submitter. Criteria: Quest Diagnostics criteria. Collection method: clinical testing. Allele origin: unknown.
Comment: The MSH6 c.3832C>A (p.Pro1278Thr) variant has been reported in the published literature in in individuals with breast cancer (PMID: 25186627 (2015)), colorectal cancer (PMID: 33359728 (2022)), pancreatic cancer (PMID: 30883245 (2019)), and a Lynch syndrome associated cancer (PMID: 31391288 (2020)). The frequency of this variant in the general population (Genome Aggregation Database) is higher than would generally be expected for pathogenic variants in this gene. Analysis of this variant using a bioinformatics tool for the prediction of the effect of amino acid changes on protein structure and function yielded a prediction that this variant is damaging. Based on the available information, we are unable to determine the clinical significance of this variant.

GeneDx
Classification: Uncertain significance. Last evaluated: 2025-03-24. Review status: criteria provided, single submitter. Criteria: GeneDx Variant Classification Process June 2021. Collection method: clinical testing. Allele origin: germline. Affected: yes.
Comment: In silico analysis supports that this missense variant has a deleterious effect on protein structure/function; Observed in individuals with a personal or family history of breast, prostate, or colorectal cancer (PMID: 25186627, 30883245, 33359728); This variant is associated with the following publications: (PMID: 30883245, 31391288, 25186627, 33359728, 36845387, 17531815, 21120944)

Myriad Genetics, Inc.
Classification: Benign for Lynch syndrome 5. Last evaluated: 2025-01-08. Review status: criteria provided, single submitter. Criteria: Myriad Autosomal Dominant, Autosomal Recessive and X-Linked Classification Criteria (2023). Collection method: clinical testing. Allele origin: unknown.
Comment: This variant is considered benign. This variant is strongly associated with less severe personal and family histories of cancer, typical for individuals without pathogenic variants in this gene [PMID: 27363726]. Homozygosity for this variant has been confirmed in one or more individuals lacking clinical features consistent with gene-specific recessive disease, indicating that this variant is unlikely to be pathogenic.

Molecular Diagnostics Laboratory, Catalan Institute of Oncology
Classification: Likely benign for Hereditary cancer-predisposing syndrome. Last evaluated: 2024-10-09. Review status: criteria provided, single submitter. Criteria: MMR VCEP Paper Draft V3.1. Collection method: clinical testing. Allele origin: germline.
Comment: BS1, BP4 c.3832C>A located in exon 9 of the MSH6 gene, is predicted to result in the substitution of proline by threonine at codon 1278, p.(Pro1278Thr).This variant is found in 16/35070, with a filter allele frequency of 0.029% in the gnomAD v2.1.1 database, Latino non-cancer data set. (BS1). Computational tools for this variant suggests no significant impact on splicing and does not affect the protein function (MAPP+PolyPhen-2 prior probability for pathogenicity: 0.005)(BP4). To our knowledge, functional studies have not been reported for this variant. In addition, the variant has been reported in the ClinVar database (5x uncertain significance, 3x likely benign) but it has not been identified neither LOVD nor InSiGHT databases. Based on currently available information, the variant c.3832C>A is classified as a likely benign variant according to ACMG guidelines.

Hereditary Cancer Laboratory, Hospital Universitario 12 de Octubre
Classification: Uncertain significance for Hereditary cancer-predisposing syndrome. Last evaluated: 2024-09-11. Review status: criteria provided, single submitter. Criteria: ACMG Guidelines, 2015. Collection method: clinical testing. Allele origin: germline.
Comment: PM2

All of Us Research Program, National Institutes of Health
Classification: Uncertain significance for Lynch syndrome. Last evaluated: 2024-08-13. Review status: criteria provided, single submitter. Criteria: ACMG Guidelines, 2015. Collection method: clinical testing. Allele origin: germline. Inheritance: Autosomal dominant inheritance. Observed: 21 variant alleles, 21 heterozygotes.
Comment: This missense variant replaces proline with threonine at codon 1278 of the MSH6 protein. Computational prediction is inconclusive regarding the impact of this variant on protein structure and function (internally defined REVEL score threshold 0.5 < inconclusive < 0.7, PMID: 27666373). To our knowledge, functional studies have not been reported for this variant. This variant has been reported in individuals affected with Lynch syndrome-associated cancer (PMID: 31391288, 33359728), as well as an individual not affected with cancer with a family history of various cancers (PMID: 30883245). This variant also has been reported in three individuals affected with breast and/or ovarian cancer, in which two carriers also had a pathogenic CHEK2 covariant (PMID: 25186627). This variant has been identified in 26/250902 chromosomes in the general population by the Genome Aggregation Database (gnomAD). The available evidence is insufficient to determine the role of this variant in disease conclusively. Therefore, this variant is classified as a Variant of Uncertain Significance.

This study involves interpretation of variants in research participants for the purpose of population health screening. Participant phenotype was not available at the time of variant classification. Additional details can be found in publication PMID: 35346344, PMCID: PMC8962531

Blueprint Genetics
Classification: Uncertain significance. Last evaluated: 2023-01-31. Review status: criteria provided, single submitter. Criteria: ACMG Guidelines, 2015. Collection method: clinical testing. Allele origin: germline.

Mayo Clinic Laboratories, Mayo Clinic
Classification: Uncertain significance. Last evaluated: 2022-07-22. Review status: criteria provided, single submitter. Criteria: ACMG Guidelines, 2015. Collection method: clinical testing. Allele origin: germline. Observed: 1 variant allele.

Department of Pathology and Laboratory Medicine, Sinai Health System
Classification: Likely benign for Lynch syndrome. Last evaluated: 2022-02-15. Review status: criteria provided, single submitter. Criteria: ACMG Guidelines, 2015. Collection method: clinical testing. Allele origin: germline. Affected: yes.

Sema4
Classification: Uncertain significance for Hereditary cancer-predisposing syndrome. Last evaluated: 2022-01-22. Review status: criteria provided, single submitter. Criteria: Sema4 Curation Guidelines. Collection method: curation. Allele origin: germline.
Comment: The MSH6 c.3832C>A (p.P1278T) variant has been reported in heterozygosity in at least five individuals with breast, ovarian, endometrial, or colorectal cancer (PMID: 25186627, 31391288, 33359728). It was observed in 6/10074 chromosomes in the Ashkenazi Jewish subpopulation and 16/34554 chromosomes in the Latino population, according to the Genome Aggregation Database (PMID: 32461654). This variant has been reported in ClinVar (Variation ID: 141916). Functional studies have not been performed, and in silico predictions of the variant's effect on protein function are inconclusive. The evidence is insufficient to meet ACMG/AMP criteria for classifying the variant as benign or pathogenic. Thus, the clinical significance of this variant is currently uncertain.

Ambry Genetics
Classification: Likely benign for Hereditary cancer-predisposing syndrome. Last evaluated: 2020-02-07. Review status: criteria provided, single submitter. Criteria: Ambry Variant Classification Scheme 2023. Collection method: clinical testing. Allele origin: germline.

Literature cited by the submitters: PubMed 25186627 (cited by 6 submitters); PubMed 30883245 (cited by 5 submitters); PubMed 31391288 (cited by 7 submitters); PubMed 36845387 (cited by Women's Health and Genetics/Laboratory Corporation of America, LabCorp and Quest Diagnostics Nichols Institute San Juan Capistrano); PubMed 33359728 (cited by 5 submitters); PubMed 27363726 (cited by Myriad Genetics, Inc.).